The following is an entry in ClinVar:

NM_001987.5(ETV6):c.1101A>G (p.Ile367Met)

Genes: ETV6 (ETS variant transcription factor 6; plus strand), LOC126861452 (CDK7 strongly-dependent group 2 enhancer GRCh37_chr12:12037195-12038394; plus strand). Cytogenetic location: 12p13.2.
Variant type: single nucleotide variant.
Coding change: c.1101A>G on transcript NM_001987.5 (MANE Select); coding-DNA position 1101, A replaced by G.
Protein change: p.Ile367Met; replaces isoleucine 367 with methionine.
Molecular consequence: missense variant. On other transcripts: intron variant (1).
Genome position (GRCh38, 1-based): chr12:11,884,536, A>G. VCF-style: chr12-11884536-A-G. GRCh37 (hg19) VCF-style: chr12-12037470-A-G.
Other names: c.837A>G, p.Ile279Met (NM_001413915.1); c.1010-6405A>G (NM_001413917.1); c.1098A>G, p.Ile366Met (NM_001413913.1); c.1074A>G, p.Ile358Met (NM_001413914.1); short protein forms I366M, I358M, I279M, I367M.
Identifiers: ClinVar variation 5036197 (VCV005036197.1).

ClinVar aggregate classification (germline): Uncertain significance (1 of 4 stars; one submission).

Conditions:
Inborn genetic diseases. Identifiers: MedGen C0950123, MeSH D030342.

gnomAD v4.1: 2 of 1,614,226 alleles (0.00012%); highest among the groups gnomAD compares: Non-Finnish European, 0.00017%; no homozygotes.

Submission:

Ambry Genetics
Classification: Uncertain significance for Inborn genetic diseases. Last evaluated: 2026-07-07. Review status: criteria provided, single submitter. Criteria: Ambry Variant Classification Scheme 2023. Collection method: clinical testing. Allele origin: germline.
Comment: The p.I367M variant (also known as c.1101A>G), located in coding exon 6 of the ETV6 gene, results from an A to G substitution at nucleotide position 1101. The isoleucine at codon 367 is replaced by methionine, an amino acid with highly similar properties. This amino acid position is conserved. In addition, this alteration is predicted to be tolerated by in silico analysis. Based on the available evidence, the clinical significance of this variant remains unclear.